The following is an entry in ClinVar:

NM_015681.6(B9D1):c.167A>G (p.Lys56Arg)

Gene: B9D1 (B9 domain containing 1; minus strand). Cytogenetic location: 17p11.2.
Variant type: single nucleotide variant.
Coding change: c.167A>G on transcript NM_015681.6 (MANE Select); coding-DNA position 167, A replaced by G.
Protein change: p.Lys56Arg; replaces lysine 56 with arginine.
Molecular consequence: missense variant. On other transcripts: 5 prime UTR variant (1).
Genome position (GRCh38, 1-based): chr17:19,357,917, T>C on the plus strand (A>G on the coding strand, the complement: B9D1 is on the minus strand). VCF-style: chr17-19357917-T-C. GRCh37 (hg19) VCF-style: chr17-19261230-T-C.
Other names: c.167A>G, p.Lys56Arg (NM_001321214.2, NM_001321215.3, NM_001321216.2 and 4 more transcripts); c.-194A>G (NM_001368769.2); short protein forms K56R.
Identifiers: ClinVar variation 1687696 (VCV001687696.2), dbSNP rs2152273909, ClinGen allele CA398698834.
Genomic context (GRCh38, chr17:19,357,917, plus strand): 5'-CTTTTAAAGGTGACATCAATGGGGAAGTTCCACACCAGTGCTTGCCGCACATCTTGGCTC[T>C]TGGATGTGATCTGTGAGATCCCCTCCTCCAGACCCTGTGAGGACAGTGACACAGACGGCT-3'
Protein context (NP_056496.1, residues 46-66): LEEGISQITS[Lys56Arg]SQDVRQALVW

ClinVar aggregate classification (germline): Uncertain significance (1 of 4 stars; one submission).

Submission:

GeneDx
Classification: Uncertain significance. Last evaluated: 2021-11-23. Review status: criteria provided, single submitter. Criteria: GeneDx Variant Classification Process June 2021. Collection method: clinical testing. Allele origin: germline. Affected: yes.
Comment: Not observed at significant frequency in large population cohorts (gnomAD); In silico analysis supports that this missense variant does not alter protein structure/function; Has not been previously published as pathogenic or benign to our knowledge